The following is an entry in ClinVar:

ClinVar aggregate classification (germline): Uncertain significance. Review status: criteria provided, multiple submitters, no conflicts (2 of 4 stars). 2 submissions from 2 submitters: Uncertain significance (2). Last evaluated 2023-10-23.

Conditions:
Hereditary pancreatitis (PCTT). Also called: Hereditary chronic pancreatitis; PRSS1-Related Hereditary Pancreatitis. Identifiers: Orphanet 676, MedGen C0238339, MONDO:0008185, OMIM 167800.

Submissions (2):

Ambry Genetics
Classification: Uncertain significance for Hereditary pancreatitis. Last evaluated: 2023-10-23. Review status: criteria provided, single submitter. Criteria: Ambry Variant Classification Scheme 2023. Collection method: clinical testing. Allele origin: germline.
Comment: The p.Y43H variant (also known as c.127T>C), located in coding exon 3 of the SPINK1 gene, results from a T to C substitution at nucleotide position 127. The tyrosine at codon 43 is replaced by histidine, an amino acid with similar properties. This amino acid position is conserved. In addition, the in silico prediction for this alteration is inconclusive. Since supporting evidence is limited at this time, the clinical significance of this alteration remains unclear.

Labcorp Genetics (formerly Invitae), Labcorp
Classification: Uncertain significance for Hereditary pancreatitis. Last evaluated: 2021-10-04. Review status: criteria provided, single submitter. Criteria: Invitae Variant Classification Sherloc (09022015). Collection method: clinical testing. Allele origin: germline.
Comment: In summary, the available evidence is currently insufficient to determine the role of this variant in disease. Therefore, it has been classified as a Variant of Uncertain Significance. Algorithms developed to predict the effect of missense changes on protein structure and function (SIFT, PolyPhen-2, Align-GVGD) all suggest that this variant is likely to be disruptive. This variant has not been reported in the literature in individuals affected with SPINK1-related conditions. This variant is not present in population databases (ExAC no frequency). This sequence change replaces tyrosine with histidine at codon 43 of the SPINK1 protein (p.Tyr43His). The tyrosine residue is highly conserved and there is a moderate physicochemical difference between tyrosine and histidine.

NM_001379610.1(SPINK1):c.127T>C (p.Tyr43His)

Gene: SPINK1 (serine peptidase inhibitor Kazal type 1; minus strand). Cytogenetic location: 5q32.
Variant type: single nucleotide variant.
Coding change: c.127T>C on transcript NM_001379610.1 (MANE Select); coding-DNA position 127, T replaced by C.
Protein change: p.Tyr43His; replaces tyrosine 43 with histidine.
Molecular consequence: missense variant.
Genome position (GRCh38, 1-based): chr5:147,828,089, A>G on the plus strand (T>C on the coding strand, the complement: SPINK1 is on the minus strand). VCF-style: chr5-147828089-A-G. GRCh37 (hg19) VCF-style: chr5-147207652-A-G.
Other names: c.127T>C, p.Tyr43His (NM_001354966.2, NM_003122.5); c.127T>C (NM_003122.3); short protein forms Y43H.
Identifiers: ClinVar variation 1444333 (VCV001444333.7), dbSNP rs2127133850, ClinGen allele CA361885306.